The following is an entry in ClinVar:

ClinVar aggregate classification (germline): Uncertain significance (1 of 4 stars; one submission).

Submission:

Labcorp Genetics (formerly Invitae), Labcorp
Classification: Uncertain significance. Last evaluated: 2022-09-12. Review status: criteria provided, single submitter. Criteria: Invitae Variant Classification Sherloc (09022015). Collection method: clinical testing. Allele origin: germline.
Comment: In summary, the available evidence is currently insufficient to determine the role of this variant in disease. Therefore, it has been classified as a Variant of Uncertain Significance. Experimental studies and prediction algorithms are not available or were not evaluated, and the functional significance of this variant is currently unknown. ClinVar contains an entry for this variant (Variation ID: 1488360). This variant has not been reported in the literature in individuals affected with QRSL1-related conditions. This variant is not present in population databases (gnomAD no frequency). This sequence change creates a premature translational stop signal (p.Asp511Glufs*12) in the QRSL1 gene. While this is not anticipated to result in nonsense mediated decay, it is expected to disrupt the last 18 amino acid(s) of the QRSL1 protein.

NM_018292.5(QRSL1):c.1531_1532dup (p.Asp511fs)

Gene: QRSL1 (glutaminyl-tRNA amidotransferase subunit QRSL1; plus strand). Cytogenetic location: 6q21.
Variant type: Duplication.
Coding change: c.1531_1532dup on transcript NM_018292.5 (MANE Select); coding-DNA positions 1531 to 1532, 2 bases duplicated (GA; older notation c.1531_1532dupGA).
Protein change: p.Asp511fs; shifts the reading frame from aspartic acid 511.
Molecular consequence: frameshift variant.
Genome position (GRCh38, 1-based): chr6:106,665,946-106,665,947, GA duplicated. VCF-style (leftmost placement, unchanged base first): chr6-106665945-T-TGA. GRCh37 (hg19) VCF-style: chr6-107113820-T-TGA.
Other names: short protein forms D511fs.
Identifiers: ClinVar variation 1488360 (VCV001488360.4), dbSNP rs2114721177, ClinGen allele CA2573140348.